The following is an entry in ClinVar:

ClinVar aggregate classification (germline): Uncertain significance. Review status: criteria provided, multiple submitters, no conflicts (2 of 4 stars). 2 submissions from 2 submitters: Uncertain significance (2). Last evaluated 2025-12-19.

Conditions:
Autosomal recessive early-onset Parkinson disease 6 (PARK6). Also called: PARKINSON DISEASE 6, EARLY-ONSET; PARKINSON DISEASE 6, MODIFIER OF; PINK1-Related Parkinson Disease; PINK1 Type of Young-Onset Parkinson Disease. Identifiers: Orphanet 2828, MedGen C1853833, MONDO:0011613, OMIM 605909.

Submissions (2):

GeneDx
Classification: Uncertain significance. Last evaluated: 2025-12-19. Review status: criteria provided, single submitter. Criteria: GeneDx Variant Classification Process June 2021. Collection method: clinical testing. Allele origin: germline.
Comment: In silico analysis supports that this missense variant has a deleterious effect on protein structure/function; This variant is associated with the following publications: (PMID: 30788857, 32613234, 39973502, LimS2021[CaseReport])

Labcorp Genetics (formerly Invitae), Labcorp
Classification: Uncertain significance for Autosomal recessive early-onset Parkinson disease 6. Last evaluated: 2025-01-23. Review status: criteria provided, single submitter. Criteria: Invitae Variant Classification Sherloc (09022015). Collection method: clinical testing. Allele origin: germline.
Comment: This sequence change replaces valine, which is neutral and non-polar, with leucine, which is neutral and non-polar, at codon 350 of the PINK1 protein (p.Val350Leu). This variant is present in population databases (rs764648391, gnomAD 0.1%). This missense change has been observed in individual(s) with clinical features of Parkinson disease (PMID: 32613234). Invitae Evidence Modeling of protein sequence and biophysical properties (such as structural, functional, and spatial information, amino acid conservation, physicochemical variation, residue mobility, and thermodynamic stability) has been performed for this missense variant. However, the output from this modeling did not meet the statistical confidence thresholds required to predict the impact of this variant on PINK1 protein function. In summary, the available evidence is currently insufficient to determine the role of this variant in disease. Therefore, it has been classified as a Variant of Uncertain Significance.

Literature cited by the submitters: PubMed 32613234 (cited by Labcorp Genetics (formerly Invitae), Labcorp).

NM_032409.3(PINK1):c.1048G>C (p.Val350Leu)

Genes: PINK1 (PTEN induced kinase 1; plus strand), PINK1-AS (PINK1 antisense RNA; minus strand). Cytogenetic location: 1p36.12.
Variant type: single nucleotide variant.
Coding change: c.1048G>C on transcript NM_032409.3 (MANE Select); coding-DNA position 1048, G replaced by C.
Protein change: p.Val350Leu; replaces valine 350 with leucine.
Molecular consequence: missense variant. On other transcripts: non-coding transcript variant (1).
Genome position (GRCh38, 1-based): chr1:20,645,648, G>C. VCF-style: chr1-20645648-G-C. GRCh37 (hg19) VCF-style: chr1-20972141-G-C.
Other names: c.1048G>C (NM_032409.2); short protein forms V350L.
Identifiers: ClinVar variation 3686783 (VCV003686783.4).